The following is an entry in ClinVar:

NM_004415.4(DSP):c.8050A>G (p.Met2684Val)

Gene: DSP (desmoplakin; plus strand). Cytogenetic location: 6p24.3.
Variant type: single nucleotide variant.
Coding change: c.8050A>G on transcript NM_004415.4 (MANE Select); coding-DNA position 8050, A replaced by G.
Protein change: p.Met2684Val; replaces methionine 2684 with valine.
Molecular consequence: missense variant.
Genome position (GRCh38, 1-based): chr6:7,585,312, A>G. VCF-style: chr6-7585312-A-G. GRCh37 (hg19) VCF-style: chr6-7585545-A-G.
Other names: c.6253A>G, p.Met2085Val (NM_001008844.3); c.6721A>G, p.Met2241Val (NM_001319034.2); short protein forms M2241V, M2085V, M2684V.
Identifiers: ClinVar variation 965292 (VCV000965292.17), dbSNP rs147801650, ClinGen allele CA051459.
Genomic context (GRCh38, chr6:7,585,312, plus strand): 5'-ACCACGGGCCAGAAGCTGTCACTTCAGGACGCAGTCTCCCAGGGTGTGATTGACCAAGAC[A>G]TGGCCACCAGGCTGAAGCCTGCTCAGAAAGCCTTCATAGGCTTCGAGGGTGTGAAGGGAA-3'
Protein context (NP_004406.2, residues 2674-2694): AVSQGVIDQD[Met2684Val]ATRLKPAQKA

ClinVar aggregate classification (germline): Conflicting classifications of pathogenicity. Review status: criteria provided, conflicting classifications (1 of 4 stars). 5 submissions from 5 submitters: Uncertain significance (4); Likely benign (1). Last evaluated 2026-05-15.

Conditions:
Arrhythmogenic cardiomyopathy with wooly hair and keratoderma. Also called: PALMOPLANTAR KERATODERMA WITH LEFT VENTRICULAR CARDIOMYOPATHY AND WOOLLY HAIR; Arrhythmogenic cardiomyopathy with woolly hair and keratoderma; Carvajal syndrome; Dilated cardiomyopathy with woolly hair and keratoderma. Identifiers: Orphanet 65282, MedGen C1854063, MONDO:0011581, OMIM 605676.
Arrhythmogenic right ventricular dysplasia 8 (ARVD8). Also called: ARRHYTHMOGENIC RIGHT VENTRICULAR DYSPLASIA, FAMILIAL, 8; ARRHYTHMOGENIC RIGHT VENTRICULAR CARDIOMYOPATHY 8; Arrhythmogenic Right Ventricular Dysplasia/Cardiomyopathy 8. Identifiers: MedGen C1843896, MONDO:0011831, OMIM 607450.
Cardiovascular phenotype. Identifiers: MedGen CN230736.
Cardiomyopathy, dilated, with wooly hair, keratoderma, and tooth agenesis. Also called: Erythrokeratodermia-cardiomyopathy syndrome; Cardiomyopathy, dilated, with woolly hair, keratoderma, and tooth agenesis. Identifiers: Orphanet 476096, Orphanet 65282, MedGen C4014393, MONDO:0014355, OMIM 615821.
Woolly hair-skin fragility syndrome (WHSF). Identifiers: Orphanet 293165, MedGen C1843292, MONDO:0957307, OMIM 620415.
Lethal acantholytic epidermolysis bullosa (EBLA). Identifiers: Orphanet 158687, MedGen C1864826, MONDO:0012323, OMIM 609638.
Keratosis palmoplantaris striata 2. Also called: KERATODERMA, PALMOPLANTAR, STRIATE FORM II; STRIATE PALMOPLANTAR KERATODERMA II; Keratosis palmoplantaris striata II. Identifiers: MedGen C1852127, MONDO:0013034, OMIM 612908.
Cardiomyopathy (CMYO). Also called: Cardiomyopathies. Identifiers: Orphanet 167848, MedGen C0878544, MONDO:0004994, HP:0001638. Inheritance: Various modes of inheritance.

Allele frequency attached by ClinVar (database versions not stated): gnomAD 0.00001; ESP Exome Variant Server 0.00008; ExAC 0.00001; gnomAD exomes 0.00001; TOPMed 0.00001.
gnomAD v4.1: 15 of 1,614,026 alleles (0.00093%); highest among the groups gnomAD compares: South Asian, 0.0055%; no homozygotes.

Submissions (5):

Ambry Genetics
Classification: Uncertain significance for Cardiovascular phenotype. Last evaluated: 2026-05-15. Review status: criteria provided, single submitter. Criteria: Ambry Variant Classification Scheme 2023. Collection method: clinical testing. Allele origin: germline.
Comment: The p.M2684V variant (also known as c.8050A>G), located in coding exon 24 of the DSP gene, results from an A to G substitution at nucleotide position 8050. The methionine at codon 2684 is replaced by valine, an amino acid with highly similar properties. This variant was reported in individual(s) with features consistent with DSP-related cardiomyopathy (Castelletti S et al. Int J Cardiol, 2017 Dec;249:268-273; Perret C. et al. Clin Genet. 2024 Feb;105(2):185-189). This amino acid position is highly conserved in available vertebrate species. In addition, this alteration is predicted to be deleterious by in silico analysis. Based on the available evidence, the clinical significance of this variant remains unclear.

Labcorp Genetics (formerly Invitae), Labcorp
Classification: Likely benign for Arrhythmogenic cardiomyopathy with wooly hair and keratoderma; Arrhythmogenic right ventricular dysplasia 8. Last evaluated: 2025-12-02. Review status: criteria provided, single submitter. Criteria: Invitae Variant Classification Sherloc (09022015). Collection method: clinical testing. Allele origin: germline.

All of Us Research Program, National Institutes of Health
Classification: Uncertain significance for Arrhythmogenic cardiomyopathy with wooly hair and keratoderma. Last evaluated: 2024-07-20. Review status: criteria provided, single submitter. Criteria: ACMG Guidelines, 2015. Collection method: clinical testing. Allele origin: germline. Inheritance: Autosomal dominant inheritance. Observed: 11 variant alleles, 11 heterozygotes.
Comment: This missense variant replaces methionine with valine at codon 2684 of the DSP protein. Computational prediction is inconclusive regarding the impact of this variant on protein structure and function (internally defined REVEL score threshold 0.5 < inconclusive < 0.7, PMID: 27666373). To our knowledge, functional studies have not been reported for this variant. This variant has been reported in an individual affected with arrhythmogenic right ventricular cardiomyopathy (PMID: 28527814). This variant has been identified in 3/251230 chromosomes in the general population by the Genome Aggregation Database (gnomAD). The available evidence is insufficient to determine the role of this variant in disease conclusively. Therefore, this variant is classified as a Variant of Uncertain Significance.

This study involves interpretation of variants in research participants for the purpose of population health screening. Participant phenotype was not available at the time of variant classification. Additional details can be found in publication PMID: 35346344, PMCID: PMC8962531

Color Diagnostics, LLC DBA Color Health
Classification: Uncertain significance for Cardiomyopathy. Last evaluated: 2024-06-17. Review status: criteria provided, single submitter. Criteria: ACMG Guidelines, 2015. Collection method: clinical testing. Allele origin: germline.
Comment: This missense variant replaces methionine with valine at codon 2684 of the DSP protein. Computational prediction is inconclusive regarding the impact of this variant on protein structure and function (internally defined REVEL score threshold 0.5 < inconclusive < 0.7, PMID: 27666373). To our knowledge, functional studies have not been reported for this variant. This variant has been reported in an individual affected with arrhythmogenic right ventricular cardiomyopathy (PMID: 28527814). This variant has been identified in 3/251230 chromosomes in the general population by the Genome Aggregation Database (gnomAD). The available evidence is insufficient to determine the role of this variant in disease conclusively. Therefore, this variant is classified as a Variant of Uncertain Significance.

Fulgent Genetics
Classification: Uncertain significance for Arrhythmogenic cardiomyopathy with wooly hair and keratoderma; Arrhythmogenic right ventricular dysplasia 8; Lethal acantholytic epidermolysis bullosa; Keratosis palmoplantaris striata 2; Cardiomyopathy, dilated, with wooly hair, keratoderma, and tooth agenesis. Last evaluated: 2021-10-11. Review status: criteria provided, single submitter. Criteria: ACMG Guidelines, 2015. Collection method: clinical testing. Allele origin: unknown.

Literature cited by the submitters: PubMed 28527814 (cited by 3 submitters); PubMed 37904629 (cited by Ambry Genetics).